The following is an entry in ClinVar:

ClinVar aggregate classification (germline): Uncertain significance. Review status: criteria provided, multiple submitters, no conflicts (2 of 4 stars). 2 submissions from 2 submitters: Uncertain significance (2). Last evaluated 2023-06-12.

Conditions:
Dyskeratosis congenita, autosomal dominant 6 (DKCA6). Identifiers: Orphanet 3322, MedGen C4225284, MONDO:0014690, OMIM 616553.
Inborn genetic diseases. Identifiers: MedGen C0950123, MeSH D030342.

Submissions (2):

Ambry Genetics
Classification: Uncertain significance for Inborn genetic diseases. Last evaluated: 2023-06-12. Review status: criteria provided, single submitter. Criteria: Ambry Variant Classification Scheme 2023. Collection method: clinical testing. Allele origin: germline.
Comment: The p.S486C variant (also known as c.1457C>G), located in coding exon 10 of the ACD gene, results from a C to G substitution at nucleotide position 1457. The serine at codon 486 is replaced by cysteine, an amino acid with dissimilar properties. This amino acid position is conserved. In addition, this alteration is predicted to be tolerated by in silico analysis. Since supporting evidence is limited at this time, the clinical significance of this alteration remains unclear.

Labcorp Genetics (formerly Invitae), Labcorp
Classification: Uncertain significance for Dyskeratosis congenita, autosomal dominant 6. Last evaluated: 2022-06-22. Review status: criteria provided, single submitter. Criteria: Invitae Variant Classification Sherloc (09022015). Collection method: clinical testing. Allele origin: germline.
Comment: In summary, the available evidence is currently insufficient to determine the role of this variant in disease. Therefore, it has been classified as a Variant of Uncertain Significance. Algorithms developed to predict the effect of missense changes on protein structure and function output the following: SIFT: "Tolerated"; PolyPhen-2: "Benign"; Align-GVGD: "Class C0". The cysteine amino acid residue is found in multiple mammalian species, which suggests that this missense change does not adversely affect protein function. This variant has not been reported in the literature in individuals affected with ACD-related conditions. This variant is present in population databases (no rsID available, gnomAD 0.006%). This sequence change replaces serine, which is neutral and polar, with cysteine, which is neutral and slightly polar, at codon 486 of the ACD protein (p.Ser486Cys).

NM_001082486.2(ACD):c.1199C>G (p.Ser400Cys)

Gene: ACD (ACD shelterin complex subunit and telomerase recruitment factor; minus strand). Cytogenetic location: 16q22.1.
Variant type: single nucleotide variant.
Coding change: c.1199C>G on transcript NM_001082486.2 (MANE Select); coding-DNA position 1199, C replaced by G.
Protein change: p.Ser400Cys; replaces serine 400 with cysteine.
Molecular consequence: missense variant.
Genome position (GRCh38, 1-based): chr16:67,657,993, G>C on the plus strand (C>G on the coding strand, the complement: ACD is on the minus strand). VCF-style: chr16-67657993-G-C. GRCh37 (hg19) VCF-style: chr16-67691896-G-C.
Other names: c.1112C>G, p.Ser371Cys (NM_001410884.1); c.1190C>G, p.Ser397Cys (NM_022914.3); c.1457C>G (NM_001082486.1); short protein forms S371C, S397C, S400C.
Identifiers: ClinVar variation 2419768 (VCV002419768.9), dbSNP rs772771047, ClinGen allele CA396351546.